The following is an entry in ClinVar:

ClinVar aggregate classification (germline): Uncertain significance. Review status: reviewed by expert panel (3 of 4 stars). 3 submissions from 3 submitters: Uncertain significance (1). 2 of the submissions do not count toward it. Last evaluated 2024-02-21.

Conditions:
T-B+ severe combined immunodeficiency due to JAK3 deficiency. Also called: SCID, autosomal recessive, T-negative/B-positive type; SCID, T CELL-NEGATIVE, B CELL-POSITIVE, NK CELL-NEGATIVE. Identifiers: Orphanet 35078, MedGen C1833275, MONDO:0010938, OMIM 600802.

Allele frequency attached by ClinVar (database versions not stated): gnomAD exomes 0.00001 and 0.00003; gnomAD 0.00002 and 0.00003; TOPMed 0.00002; ExAC 0.00004; ESP Exome Variant Server 0.00008.
gnomAD v4.1: 17 of 1,599,580 alleles (0.0011%); highest among the groups gnomAD compares: Middle Eastern, 0.017%; no homozygotes.

Submissions (3):

ClinGen Severe Combined Immunodeficiency Variant Curation Expert Panel, ClinGen
Classification: Uncertain significance for T-B+ severe combined immunodeficiency due to JAK3 deficiency. Last evaluated: 2024-02-21. Review status: reviewed by expert panel. Criteria: ClinGen SCID ACMG Specifications JAK3 V1.0.0. Collection method: curation. Allele origin: germline. Inheritance: Autosomal recessive inheritance.
Comment: NM_000215.4(JAK3):c.2317G>A variant in JAK3 is a missense variant predicted to cause substitution of valine by isoleucine at amino acid 773 (p.Val773Ile). The total Grpmax Filtering allele frequency (the upper threshold of the 95% confidence) is 0.00004416 for East Asian chromosomes by gnomeAD v 4.0.0, which is lower than the ClinGen SCID JAK3 VCEP threshold [(<0,000115)] for PM2_Supporting, and therefore meets this criterion (PM2_Supporting). This variant has been found in ClinVar; however, the affected status of the patient is unknown (VCV000933853.6) This variant does not meet the criteria to be classified as pathogenic, likely pathogenic, benign or likely benign for T-B+ severe combined immunodeficiency due to JAK3 deficiency based on the ACMG/AMP criteria applied, as specified by the ClinGen SCID JAK3 VCEP (PM2_Supporting); therefore is classified as a variant of unknown significance (VUS) for this disease. (VCEP specifications version 1).

Labcorp Genetics (formerly Invitae), Labcorp
Classification: Uncertain significance for T-B+ severe combined immunodeficiency due to JAK3 deficiency. Last evaluated: 2022-02-10. Review status: criteria provided, single submitter. Criteria: Invitae Variant Classification Sherloc (09022015). Collection method: clinical testing. Allele origin: germline. Not counted in ClinVar's aggregate classification.
Comment: This sequence change replaces valine, which is neutral and non-polar, with isoleucine, which is neutral and non-polar, at codon 773 of the JAK3 protein (p.Val773Ile). This variant is present in population databases (rs201531563, gnomAD 0.02%). This variant has not been reported in the literature in individuals affected with JAK3-related conditions. ClinVar contains an entry for this variant (Variation ID: 933853). Advanced modeling of protein sequence and biophysical properties (such as structural, functional, and spatial information, amino acid conservation, physicochemical variation, residue mobility, and thermodynamic stability) performed at Invitae indicates that this missense variant is not expected to disrupt JAK3 protein function. In summary, the available evidence is currently insufficient to determine the role of this variant in disease. Therefore, it has been classified as a Variant of Uncertain Significance.

Department of Pathology and Laboratory Medicine, Sinai Health System
Classification: Uncertain significance for T-B+ severe combined immunodeficiency due to JAK3 deficiency. Last evaluated: 2021-07-30. Review status: criteria provided, single submitter. Criteria: ACMG Guidelines, 2015. Collection method: research. Allele origin: germline. Not counted in ClinVar's aggregate classification.

NM_000215.4(JAK3):c.2317G>A (p.Val773Ile)

Gene: JAK3 (Janus kinase 3; minus strand). Cytogenetic location: 19p13.11.
Variant type: single nucleotide variant.
Coding change: c.2317G>A on transcript NM_000215.4 (MANE Select); coding-DNA position 2317, G replaced by A.
Protein change: p.Val773Ile; replaces valine 773 with isoleucine.
Molecular consequence: missense variant.
Genome position (GRCh38, 1-based): chr19:17,834,604, C>T on the plus strand (G>A on the coding strand, the complement: JAK3 is on the minus strand). VCF-style: chr19-17834604-C-T. GRCh37 (hg19) VCF-style: chr19-17945413-C-T.
Other names: NM_000215.4(JAK3):c.2317G>A; p.Val773Ile; short protein forms V773I.
Identifiers: ClinVar variation 933853 (VCV000933853.8), dbSNP rs201531563, ClinGen allele CA9301626.